The following is an entry in ClinVar:

ClinVar aggregate classification (germline): Uncertain significance. Review status: criteria provided, multiple submitters, no conflicts (2 of 4 stars). 6 submissions from 5 submitters: Uncertain significance (6). Last evaluated 2025-09-02.

Conditions:
Spastic ataxia 5. Also called: Spastic Ataxia Type 5 (SPAX5). Identifiers: Orphanet 313772, MedGen C3280977, MONDO:0013776, OMIM 614487.
Spinocerebellar ataxia type 28 (SCA28). Also called: Spinocerebellar Ataxia Type 28 (SCA28). Identifiers: Orphanet 101109, MedGen C1853249, MONDO:0012450, OMIM 610246.

Allele frequency attached by ClinVar (database versions not stated): gnomAD exomes 0.00001 and 0.00002; gnomAD 0.00002; TOPMed 0.00003.

Submissions (6):

Labcorp Genetics (formerly Invitae), Labcorp
Classification: Uncertain significance. Last evaluated: 2025-09-02. Review status: criteria provided, single submitter. Criteria: Invitae Variant Classification Sherloc (09022015). Collection method: clinical testing. Allele origin: germline.
Comment: This sequence change replaces valine, which is neutral and non-polar, with isoleucine, which is neutral and non-polar, at codon 191 of the AFG3L2 protein (p.Val191Ile). This variant is present in population databases (no rsID available, gnomAD 0.009%). This missense change has been observed in individual(s) with spinocerebellar ataxia (PMID: 26454370). ClinVar contains an entry for this variant (Variation ID: 548568). Invitae Evidence Modeling of protein sequence and biophysical properties (such as structural, functional, and spatial information, amino acid conservation, physicochemical variation, residue mobility, and thermodynamic stability) indicates that this missense variant is not expected to disrupt AFG3L2 protein function with a negative predictive value of 95%. In summary, the available evidence is currently insufficient to determine the role of this variant in disease. Therefore, it has been classified as a Variant of Uncertain Significance.

CeGaT Center for Human Genetics Tuebingen
Classification: Uncertain significance. Last evaluated: 2023-08-01. Review status: criteria provided, single submitter. Criteria: CeGaT Center For Human Genetics Tuebingen Variant Classification Criteria Version 2. Collection method: clinical testing. Allele origin: germline. Affected: yes. Observed: 1 variant allele.

GeneDx
Classification: Uncertain significance. Last evaluated: 2019-09-06. Review status: criteria provided, single submitter. Criteria: GeneDx Variant Classification Process June 2021. Collection method: clinical testing. Allele origin: germline. Affected: yes.
Comment: In silico analysis, which includes protein predictors and evolutionary conservation, supports that this variant does not alter protein structure/function; This variant is associated with the following publications: (PMID: 28660440, 26454370)

Blueprint Genetics
Classification: Uncertain significance. Last evaluated: 2019-02-12. Review status: criteria provided, single submitter. Criteria: ACMG Guidelines, 2015. Collection method: clinical testing. Allele origin: germline.

Genomic Research Center, Shahid Beheshti University of Medical Sciences
Classification: Uncertain significance for Spastic ataxia 5. Last evaluated: 2018-03-05. Review status: criteria provided, single submitter. Criteria: ACMG Guidelines, 2015. Collection method: clinical testing. Allele origin: inherited. Affected: yes. Observed: 1 variant allele.

Genomic Research Center, Shahid Beheshti University of Medical Sciences
Classification: Uncertain significance for Spinocerebellar ataxia type 28. Last evaluated: 2018-03-05. Review status: criteria provided, single submitter. Criteria: ACMG Guidelines, 2015. Collection method: clinical testing. Allele origin: inherited. Affected: yes. Observed: 1 variant allele.

Literature cited by the submitters: PubMed 26454370 (cited by Labcorp Genetics (formerly Invitae), Labcorp).

NM_006796.3(AFG3L2):c.571G>A (p.Val191Ile)

Gene: AFG3L2 (AFG3 like matrix AAA peptidase subunit 2; minus strand). Cytogenetic location: 18p11.21.
Variant type: single nucleotide variant.
Coding change: c.571G>A on transcript NM_006796.3 (MANE Select); coding-DNA position 571, G replaced by A.
Protein change: p.Val191Ile; replaces valine 191 with isoleucine.
Molecular consequence: missense variant.
Genome position (GRCh38, 1-based): chr18:12,363,838, C>T on the plus strand (G>A on the coding strand, the complement: AFG3L2 is on the minus strand). VCF-style: chr18-12363838-C-T. GRCh37 (hg19) VCF-style: chr18-12363837-C-T.
Other names: short protein forms V191I.
Identifiers: ClinVar variation 548568 (VCV000548568.35), dbSNP rs1373473541, ClinGen allele CA401954380.